The following is an entry in ClinVar:

NM_007294.4(BRCA1):c.5333-6T>A

Gene: BRCA1 (BRCA1 DNA repair associated; minus strand). Cytogenetic location: 17q21.31.
Variant type: single nucleotide variant.
Coding change: c.5333-6T>A on transcript NM_007294.4 (MANE Select); 6 bases into the intron before coding-DNA position 5333, T replaced by A.
Molecular consequence: intron variant.
Genome position (GRCh38, 1-based): chr17:43,049,200, A>T on the plus strand (T>A on the coding strand, the complement: BRCA1 is on the minus strand). VCF-style: chr17-43049200-A-T. GRCh37 (hg19) VCF-style: chr17-41201217-A-T.
Other names: c.5255-6T>A (NM_001407653.1, NM_001407655.1, NM_001407654.1 and 1 more transcripts); c.4994-6T>A (NM_001407958.1, NM_001407956.1, NM_001407957.1); c.4997-6T>A (NM_001407955.1, NM_001407951.1, NM_001407954.1 and 3 more transcripts); c.1808-6T>A (NM_001408493.1, NM_001408492.1); c.1811-6T>A (NM_001408490.1, NM_001408489.1, NM_001408482.1 and 5 more transcripts); c.5117-6T>A (NM_001407915.1, NM_001407916.1, NM_001407917.1 and 1 more transcripts); c.5120-6T>A (NM_001407895.1, NM_001407910.1, NM_001407904.1 and 12 more transcripts); c.5186-6T>A (NM_001407853.1, NM_001407843.1, NM_001407847.1 and 12 more transcripts); and 84 more.
Identifiers: ClinVar variation 868014 (VCV000868014.3), dbSNP rs397509266, ClinGen allele CA916080890.

Conditions:
Breast-ovarian cancer, familial, susceptibility to, 1 (BROVCA1). Also called: BRCA1 Hereditary Breast and Ovarian Cancer; OVARIAN CANCER, SUSCEPTIBILITY TO. Identifiers: Orphanet 145, MedGen C2676676, MONDO:0011450, OMIM 604370. Disease mechanism: loss of function.

Submission:

Brotman Baty Institute, University of Washington
No classification provided (evidence only). Condition: Breast-ovarian cancer, familial 1. Review status: no classification provided. Collection method: in vitro. Allele origin: not applicable. Functional consequence: functionally_normal.
ClinVar note: "not provided" was previously submitted as the classification for the variant. However, the classification appeared to be based only on an observation of functional data so it was converted to no classification on 2025-07-30.